The following is an entry in ClinVar:

NM_000222.3(KIT):c.794G>T (p.Gly265Val)

Gene: KIT (KIT proto-oncogene, receptor tyrosine kinase; plus strand). Cytogenetic location: 4q12.
Variant type: single nucleotide variant.
Coding change: c.794G>T on transcript NM_000222.3 (MANE Select); coding-DNA position 794, G replaced by T.
Protein change: p.Gly265Val; replaces glycine 265 with valine.
Molecular consequence: missense variant.
Genome position (GRCh38, 1-based): chr4:54,703,761, G>T. VCF-style: chr4-54703761-G-T. GRCh37 (hg19) VCF-style: chr4-55569927-G-T.
Other names: c.794G>T, p.Gly265Val (NM_001093772.2, NM_001385285.1, NM_001385286.1); c.797G>T, p.Gly266Val (NM_001385284.1, NM_001385288.1, NM_001385290.1 and 1 more transcripts); short protein forms G266V, G265V.
Identifiers: ClinVar variation 2714250 (VCV002714250.3), dbSNP rs1450761446, ClinGen allele CA356899431.

ClinVar aggregate classification (germline): Uncertain significance (1 of 4 stars; one submission).

Conditions:
Gastrointestinal stromal tumor. Also called: Gastrointestinal stromal tumor, somatic; Gastrointestinal stroma tumor. Identifiers: Orphanet 44890, MedGen C0238198, MeSH D046152, MONDO:0011719, OMIM 606764, HP:0100723.

Submission:

Labcorp Genetics (formerly Invitae), Labcorp
Classification: Uncertain significance for Gastrointestinal stromal tumor. Last evaluated: 2024-01-30. Review status: criteria provided, single submitter. Criteria: Invitae Variant Classification Sherloc (09022015). Collection method: clinical testing. Allele origin: germline.
Comment: This sequence change replaces glycine, which is neutral and non-polar, with valine, which is neutral and non-polar, at codon 265 of the KIT protein (p.Gly265Val). This variant is not present in population databases (gnomAD no frequency). This variant has not been reported in the literature in individuals affected with KIT-related conditions. An algorithm developed to predict the effect of missense changes on protein structure and function (PolyPhen-2) suggests that this variant is likely to be disruptive. In summary, the available evidence is currently insufficient to determine the role of this variant in disease. Therefore, it has been classified as a Variant of Uncertain Significance.